The following is an entry in ClinVar:

NM_006231.4(POLE):c.1214T>C (p.Met405Thr)

Gene: POLE (DNA polymerase epsilon, catalytic subunit; minus strand). Cytogenetic location: 12q24.33.
Variant type: single nucleotide variant.
Coding change: c.1214T>C on transcript NM_006231.4 (MANE Select); coding-DNA position 1214, T replaced by C.
Protein change: p.Met405Thr; replaces methionine 405 with threonine.
Molecular consequence: missense variant.
Genome position (GRCh38, 1-based): chr12:132,675,410, A>G on the plus strand (T>C on the coding strand, the complement: POLE is on the minus strand). VCF-style: chr12-132675410-A-G. GRCh37 (hg19) VCF-style: chr12-133251996-A-G.
Other names: short protein forms M405T.
Identifiers: ClinVar variation 857114 (VCV000857114.10), dbSNP rs1593076689, ClinGen allele CA387360707.
Genomic context (GRCh38, chr12:132,675,410, plus strand): 5'-CTCGCTCACGGACAGCAGTGAGGAGCCATGCTGCTCTGTGGCCCCTACCTGAGGCAGTCC[A>G]TGTGGATGCACTGGGGCGCCTTGTACTCCCCCTGGCTGTCCTTCTGGAAGCCTATCTCCT-3'
Protein context (NP_006222.2, residues 395-415): GEYKAPQCIH[Met405Thr]DCLRWVKRDS

ClinVar aggregate classification (germline): Uncertain significance. Review status: criteria provided, multiple submitters, no conflicts (2 of 4 stars). 2 submissions from 2 submitters: Uncertain significance (2). Last evaluated 2023-01-24.

Conditions:
Hereditary cancer-predisposing syndrome. Also called: Tumor predisposition; Hereditary neoplastic syndrome; Neoplastic Syndromes, Hereditary; Hereditary Cancer Syndrome. Identifiers: Orphanet 140162, MedGen C0027672, MeSH D009386, MONDO:0015356.

Allele frequency attached by ClinVar (database versions not stated): TOPMed below 0.00001; gnomAD 0.00001.
gnomAD v4.1: 1 of 1,614,000 alleles (0.000062%); highest among the groups gnomAD compares: African/African-American, 0.0013%; no homozygotes.

Submissions (2):

Labcorp Genetics (formerly Invitae), Labcorp
Classification: Uncertain significance. Last evaluated: 2023-01-24. Review status: criteria provided, single submitter. Criteria: Invitae Variant Classification Sherloc (09022015). Collection method: clinical testing. Allele origin: germline.
Comment: In summary, the available evidence is currently insufficient to determine the role of this variant in disease. Therefore, it has been classified as a Variant of Uncertain Significance. Advanced modeling of protein sequence and biophysical properties (such as structural, functional, and spatial information, amino acid conservation, physicochemical variation, residue mobility, and thermodynamic stability) performed at Invitae indicates that this missense variant is expected to disrupt POLE protein function. ClinVar contains an entry for this variant (Variation ID: 857114). This variant has not been reported in the literature in individuals affected with POLE-related conditions. This variant is not present in population databases (gnomAD no frequency). This sequence change replaces methionine, which is neutral and non-polar, with threonine, which is neutral and polar, at codon 405 of the POLE protein (p.Met405Thr).

Ambry Genetics
Classification: Uncertain significance for Hereditary cancer-predisposing syndrome. Last evaluated: 2021-07-04. Review status: criteria provided, single submitter. Criteria: Ambry Variant Classification Scheme 2023. Collection method: clinical testing. Allele origin: germline.
Comment: The p.M405T variant (also known as c.1214T>C), located in coding exon 12 of the POLE gene, results from a T to C substitution at nucleotide position 1214. The methionine at codon 405 is replaced by threonine, an amino acid with similar properties. This amino acid position is conserved. In addition, the in silico prediction for this alteration is inconclusive. Since supporting evidence is limited at this time, the clinical significance of this alteration remains unclear.